The following is an entry in ClinVar:

ClinVar aggregate classification (germline): Benign. Review status: criteria provided, multiple submitters, no conflicts (2 of 4 stars). 2 submissions from 2 submitters: Benign (2). Last evaluated 2019-04-19.

Allele frequency attached by ClinVar (database versions not stated): gnomAD exomes 0.53303; ExAC 0.54854; TOPMed 0.56618; gnomAD 0.56886 and 0.56981; ESP Exome Variant Server 0.57120; 1000 Genomes Project 0.59565; 1000 Genomes Project 30x 0.59760.
gnomAD v4.1: 799,036 of 1,562,780 alleles (51%); highest among the groups gnomAD compares: African/African-American, 73%; 206,434 homozygotes.

Submissions (2):

GeneDx
Classification: Benign. Last evaluated: 2019-04-19. Review status: criteria provided, single submitter. Criteria: GeneDx Variant Classification Process June 2021. Collection method: clinical testing. Allele origin: germline. Affected: yes.
Comment: This variant is associated with the following publications: (PMID: 30679340)

Breakthrough Genomics
Classification: Benign. Review status: criteria provided, single submitter. Criteria: ACMG Guidelines, 2015. Collection method: not provided. Allele origin: germline. Inheritance: Unknown mechanism. Affected: yes.

NM_021178.5(CCNB1IP1):c.-36C>A

Gene: CCNB1IP1 (cyclin B1 interacting protein 1; minus strand). Cytogenetic location: 14q11.2.
Variant type: single nucleotide variant.
Coding change: c.-36C>A on transcript NM_021178.5 (MANE Select); 36 bases upstream of the start codon, C replaced by A.
Molecular consequence: 5 prime UTR variant.
Genome position (GRCh38, 1-based): chr14:20,316,559, G>T on the plus strand (C>A on the coding strand, the complement: CCNB1IP1 is on the minus strand). VCF-style: chr14-20316559-G-T. GRCh37 (hg19) VCF-style: chr14-20784718-G-T.
Other names: c.-36C>A (NM_182849.3, NM_182852.4).
Identifiers: ClinVar variation 1283893 (VCV001283893.2), dbSNP rs1132644, ClinGen allele CA7077412.